The following is an entry in ClinVar:

ClinVar aggregate classification (germline): Pathogenic (1 of 4 stars; one submission).

Allele frequency attached by ClinVar (database versions not stated): gnomAD exomes below 0.00001.
gnomAD v4.1: 1 of 1,611,580 alleles (0.000062%); no homozygotes.

Submission:

Labcorp Genetics (formerly Invitae), Labcorp
Classification: Pathogenic. Last evaluated: 2023-10-16. Review status: criteria provided, single submitter. Criteria: Invitae Variant Classification Sherloc (09022015). Collection method: clinical testing. Allele origin: germline.
Comment: This sequence change creates a premature translational stop signal (p.Trp848*) in the XPC gene. It is expected to result in an absent or disrupted protein product. Loss-of-function variants in XPC are known to be pathogenic (PMID: 23173980, 25256075). This variant is not present in population databases (gnomAD no frequency). This premature translational stop signal has been observed in individual(s) with clinical features of XPC-related conditions (PMID: 18717677). For these reasons, this variant has been classified as Pathogenic.

Literature cited by the submitters: PubMed 23173980; PubMed 25256075; PubMed 18717677.

NM_004628.5(XPC):c.2543G>A (p.Trp848Ter)

Gene: XPC (XPC complex subunit, DNA damage recognition and repair factor; minus strand). Cytogenetic location: 3p25.1.
Variant type: single nucleotide variant.
Coding change: c.2543G>A on transcript NM_004628.5 (MANE Select); coding-DNA position 2543, G replaced by A.
Protein change: p.Trp848Ter; replaces tryptophan 848 with a stop codon.
Molecular consequence: nonsense. On other transcripts: non-coding transcript variant (2).
Genome position (GRCh38, 1-based): chr3:14,147,351, C>T on the plus strand (G>A on the coding strand, the complement: XPC is on the minus strand). VCF-style: chr3-14147351-C-T. GRCh37 (hg19) VCF-style: chr3-14188851-C-T.
Other names: c.1964G>A, p.Trp655Ter (NM_001354726.2); c.2537G>A, p.Trp846Ter (NM_001354727.2); c.2525G>A, p.Trp842Ter (NM_001354729.2); c.2297G>A, p.Trp766Ter (NM_001354730.2); short protein forms W848*, W655*, W842*, W766*, W846*.
Identifiers: ClinVar variation 3006321 (VCV003006321.3), dbSNP rs2470219605, ClinGen allele CA351537349.
Genomic context (GRCh38, chr3:14,147,351, plus strand): 5'-TTGGGCCCGTAGCGACGCTTCAGCCTCTCCCTGATGAGCAGACCTTTGGCCAGCAACTTC[C>T]AGTTCCCTAGAGCCCGCTTCTCCTTTTTCTGCAGGCAAAAATGAAGTGGGAGAAAAGTGT-3'